The following is an entry in ClinVar:

NM_000195.5(HPS1):c.121C>T (p.Pro41Ser)

Gene: HPS1 (HPS1 biogenesis of lysosomal organelles complex 3 subunit 1; minus strand). Cytogenetic location: 10q24.2.
Variant type: single nucleotide variant.
Coding change: c.121C>T on transcript NM_000195.5 (MANE Select); coding-DNA position 121, C replaced by T.
Protein change: p.Pro41Ser; replaces proline 41 with serine.
Molecular consequence: missense variant. On other transcripts: 5 prime UTR variant (6).
Genome position (GRCh38, 1-based): chr10:98,435,769, G>A on the plus strand (C>T on the coding strand, the complement: HPS1 is on the minus strand). VCF-style: chr10-98435769-G-A. GRCh37 (hg19) VCF-style: chr10-100195526-G-A.
Other names: c.-796C>T (NM_001311345.2); c.121C>T, p.Pro41Ser (NM_001322476.2, NM_001322477.2, NM_001322478.2 and 8 more transcripts); c.-106C>T (NM_001322483.2, NM_001322484.2, NM_001322485.2); c.-895C>T (NM_001322487.2); c.-653C>T (NM_001322489.2); short protein forms P41S.
Identifiers: ClinVar variation 1972741 (VCV001972741.2), dbSNP rs1176069622, ClinGen allele CA378056024.

ClinVar aggregate classification (germline): Uncertain significance (1 of 4 stars; one submission).

Allele frequency attached by ClinVar (database versions not stated): gnomAD exomes below 0.00001; gnomAD 0.00001; TOPMed 0.00001.
gnomAD v4.1: 2 of 1,614,014 alleles (0.00012%); highest among the groups gnomAD compares: Non-Finnish European, 0.00017%; no homozygotes.

Submission:

Labcorp Genetics (formerly Invitae), Labcorp
Classification: Uncertain significance. Last evaluated: 2022-02-18. Review status: criteria provided, single submitter. Criteria: Invitae Variant Classification Sherloc (09022015). Collection method: clinical testing. Allele origin: germline.
Comment: This sequence change replaces proline, which is neutral and non-polar, with serine, which is neutral and polar, at codon 41 of the HPS1 protein (p.Pro41Ser). The frequency data for this variant in the population databases is considered unreliable, as metrics indicate poor data quality at this position in the gnomAD database. This variant has not been reported in the literature in individuals affected with HPS1-related conditions. Algorithms developed to predict the effect of missense changes on protein structure and function are either unavailable or do not agree on the potential impact of this missense change (SIFT: "Tolerated"; PolyPhen-2: "Probably Damaging"; Align-GVGD: "Class C0"). In summary, the available evidence is currently insufficient to determine the role of this variant in disease. Therefore, it has been classified as a Variant of Uncertain Significance.